The following is an entry in ClinVar:

ClinVar aggregate classification (germline): Uncertain significance (1 of 4 stars; one submission).

Conditions:
Primary immunodeficiency with post-measles-mumps-rubella vaccine viral infection. Also called: Immunodeficiency 44. Identifiers: Orphanet 431166, MedGen C4225260, MONDO:0014715, OMIM 616636.

Allele frequency attached by ClinVar (database versions not stated): gnomAD exomes below 0.00001; TOPMed below 0.00001; ExAC 0.00001; gnomAD 0.00001.
gnomAD v4.1: 3 of 1,613,986 alleles (0.00019%); highest among the groups gnomAD compares: Non-Finnish European, 0.00025%; no homozygotes.

Submission:

Labcorp Genetics (formerly Invitae), Labcorp
Classification: Uncertain significance for Primary immunodeficiency with post-measles-mumps-rubella vaccine viral infection. Last evaluated: 2022-03-06. Review status: criteria provided, single submitter. Criteria: Invitae Variant Classification Sherloc (09022015). Collection method: clinical testing. Allele origin: germline.
Comment: In summary, the available evidence is currently insufficient to determine the role of this variant in disease. Therefore, it has been classified as a Variant of Uncertain Significance. Advanced modeling of protein sequence and biophysical properties (such as structural, functional, and spatial information, amino acid conservation, physicochemical variation, residue mobility, and thermodynamic stability) performed at Invitae indicates that this missense variant is not expected to disrupt STAT2 protein function. ClinVar contains an entry for this variant (Variation ID: 636369). This variant has not been reported in the literature in individuals affected with STAT2-related conditions. This variant is present in population databases (rs747243330, gnomAD 0.0009%). This sequence change replaces isoleucine, which is neutral and non-polar, with phenylalanine, which is neutral and non-polar, at codon 625 of the STAT2 protein (p.Ile625Phe).

NM_005419.4(STAT2):c.1873A>T (p.Ile625Phe)

Gene: STAT2 (signal transducer and activator of transcription 2; minus strand). Cytogenetic location: 12q13.3.
Variant type: single nucleotide variant.
Coding change: c.1873A>T on transcript NM_005419.4 (MANE Select); coding-DNA position 1873, A replaced by T.
Protein change: p.Ile625Phe; replaces isoleucine 625 with phenylalanine.
Molecular consequence: missense variant.
Genome position (GRCh38, 1-based): chr12:56,346,613, T>A on the plus strand (A>T on the coding strand, the complement: STAT2 is on the minus strand). VCF-style: chr12-56346613-T-A. GRCh37 (hg19) VCF-style: chr12-56740397-T-A.
Other names: c.1873A>T, p.Ile625Phe (LRG_1329t1); c.1861A>T, p.Ile621Phe (NM_198332.2); short protein forms I625F, I621F.
Identifiers: ClinVar variation 636369 (VCV000636369.3), dbSNP rs747243330, ClinGen allele CA6630370.
Genomic context (GRCh38, chr12:56,346,613, plus strand): 5'-TGATTTCAGTCAGCGGGAGTGACTGCAGCACCTCCTTCGTGTACGGTTGCACAGAGTAGA[T>A]GAGCACCTTGTCTGGAGAGTGAATGCAGGAACAGGCGGGCTTGAGGGAAGAGGCCGGGCC-3'
Protein context (NP_005410.1, residues 615-635): VEHQDDDKVL[Ile625Phe]YSVQPYTKEV